The following is an entry in ClinVar:

NM_002971.6(SATB1):c.1195A>G (p.Asn399Asp)

Gene: SATB1 (SATB homeobox 1; minus strand). Cytogenetic location: 3p24.3.
Variant type: single nucleotide variant.
Coding change: c.1195A>G on transcript NM_002971.6 (MANE Select); coding-DNA position 1195, A replaced by G.
Protein change: p.Asn399Asp; replaces asparagine 399 with aspartic acid.
Molecular consequence: missense variant.
Genome position (GRCh38, 1-based): chr3:18,394,473, T>C on the plus strand (A>G on the coding strand, the complement: SATB1 is on the minus strand). VCF-style: chr3-18394473-T-C. GRCh37 (hg19) VCF-style: chr3-18435965-T-C.
Other names: c.1195A>G, p.Asn399Asp (NM_001131010.4, NM_001195470.3, NM_001322871.2 and 4 more transcripts); c.979A>G, p.Asn327Asp (NM_001322876.2); short protein forms N327D, N399D.
Identifiers: ClinVar variation 3342922 (VCV003342922.1).
Genomic context (GRCh38, chr3:18,394,473, plus strand): 5'-AAAGAGAAAATAGGAGACAGCACAGAACCACTTATGAAACACAACTGACCTGAGTTCTGT[T>C]AAAAGCCACACGTGCAAATACCGCCTGGGAGATTCCTGCTCGTTTCAGTTCATCGCGTAC-3'
Protein context (NP_002962.1, residues 389-409): SQAVFARVAF[Asn399Asp]RTQGLLSEIL

ClinVar aggregate classification (germline): Uncertain significance (1 of 4 stars; one submission).

Submission:

GeneDx
Classification: Uncertain significance. Last evaluated: 2023-03-31. Review status: criteria provided, single submitter. Criteria: GeneDx Variant Classification Process June 2021. Collection method: clinical testing. Allele origin: germline. Affected: yes.
Comment: Not observed at significant frequency in large population cohorts (gnomAD); In silico analysis supports that this missense variant has a deleterious effect on protein structure/function; Has not been previously published as pathogenic or benign to our knowledge